The following is an entry in ClinVar:

ClinVar aggregate classification (germline): Uncertain significance (1 of 4 stars; one submission).

Conditions:
Familial thoracic aortic aneurysm and aortic dissection (TAAD). Also called: Thoracic aortic aneurysms and dissections. Identifiers: Orphanet 91387, MedGen C4707243, MONDO:0019625.

gnomAD v4.1: 2 of 1,614,222 alleles (0.00012%); highest among the groups gnomAD compares: Non-Finnish European, 0.00017%; no homozygotes.

Submission:

Color Diagnostics, LLC DBA Color Health
Classification: Uncertain significance for Familial thoracic aortic aneurysm and aortic dissection. Last evaluated: 2025-10-05. Review status: criteria provided, single submitter. Criteria: ACMG Guidelines, 2015. Collection method: clinical testing. Allele origin: germline.
Comment: This missense variant replaces valine with leucine at codon 34 of the FBN1 protein. Computational prediction suggests that this variant may not impact protein structure and function. To our knowledge, functional studies have not been reported for this variant. This variant has not been reported in individuals affected with FBN1-related disorders in the literature. This variant has been identified in 2/1461880 chromosomes in the general population by the Genome Aggregation Database (gnomAD). The available evidence is insufficient to determine the role of this variant in disease conclusively. Therefore, this variant is classified as a Variant of Uncertain Significance.

NM_000138.5(FBN1):c.100G>C (p.Val34Leu)

Gene: FBN1 (fibrillin 1; minus strand). Cytogenetic location: 15q21.1.
Variant type: single nucleotide variant.
Coding change: c.100G>C on transcript NM_000138.5 (MANE Select); coding-DNA position 100, G replaced by C.
Protein change: p.Val34Leu; replaces valine 34 with leucine.
Molecular consequence: missense variant.
Genome position (GRCh38, 1-based): chr15:48,644,670, C>G on the plus strand (G>C on the coding strand, the complement: FBN1 is on the minus strand). VCF-style: chr15-48644670-C-G. GRCh37 (hg19) VCF-style: chr15-48936867-C-G.
Other names: c.100G>C, p.Val34Leu (NM_001406716.1, NM_001406717.1, NM_001406718.1); short protein forms V34L.
Identifiers: ClinVar variation 4758162 (VCV004758162.1).